The following is an entry in ClinVar:

ClinVar aggregate classification (germline): Pathogenic (1 of 4 stars; one submission).

Conditions:
Neurofibromatosis, type 1 (NF1). Also called: Peripheral type neurofibromatosis; VON RECKLINGHAUSEN DISEASE; NEUROFIBROMATOSIS, TYPE I, SOMATIC; Neurofibromatosis, type I. Identifiers: Orphanet 636, MedGen C0027831, MONDO:0018975, OMIM 162200. Disease mechanism: loss of function.

Submission:

Labcorp Genetics (formerly Invitae), Labcorp
Classification: Pathogenic for Neurofibromatosis, type 1. Last evaluated: 2022-09-19. Review status: criteria provided, single submitter. Criteria: Invitae Variant Classification Sherloc (09022015). Collection method: clinical testing. Allele origin: germline.
Comment: For these reasons, this variant has been classified as Pathogenic. Algorithms developed to predict the effect of sequence changes on RNA splicing suggest that this variant may disrupt the consensus splice site. This premature translational stop signal has been observed in individual(s) with clinical features of neurofibromatosis type I (PMID: 16944272). This variant is not present in population databases (gnomAD no frequency). This sequence change creates a premature translational stop signal (p.Lys1517*) in the NF1 gene. It is expected to result in an absent or disrupted protein product. Loss-of-function variants in NF1 are known to be pathogenic (PMID: 10712197, 23913538).

Literature cited by the submitters: PubMed 16944272; PubMed 10712197; PubMed 23913538.

NM_001042492.3(NF1):c.4612A>T (p.Lys1538Ter)

Gene: NF1 (neurofibromin 1; plus strand). Cytogenetic location: 17q11.2.
Variant type: single nucleotide variant.
Coding change: c.4612A>T on transcript NM_001042492.3 (MANE Select); coding-DNA position 4612, A replaced by T.
Protein change: p.Lys1538Ter; replaces lysine 1538 with a stop codon.
Molecular consequence: nonsense.
Genome position (GRCh38, 1-based): chr17:31,261,745, A>T. VCF-style: chr17-31261745-A-T. GRCh37 (hg19) VCF-style: chr17-29588763-A-T.
Other names: c.4549A>T, p.Lys1517Ter (NM_000267.4); short protein forms K1517*, K1538*.
Identifiers: ClinVar variation 2137985 (VCV002137985.4), dbSNP rs2151466262, ClinGen allele CA399000211.
Genomic context (GRCh38, chr17:31,261,745, plus strand): 5'-TTTTCTAAGTAGTTTGCTGTATCTAGGGATCATAAAGCTGTTGGAAGACGACCTTTTGAT[A>T]AGATGGCAACACTTCTTGCATACCTGGGTCCTCCAGAGCACAAACCTGTGGCAGATACAC-3'